The following is an entry in ClinVar:

ClinVar aggregate classification (germline): Likely benign. Review status: criteria provided, multiple submitters, no conflicts (2 of 4 stars). 2 submissions from 2 submitters: Likely benign (2). Last evaluated 2025-11-21.

Conditions:
RASopathy. Also called: Noonan spectrum disorder; rasopathies. Identifiers: Orphanet 536391, MedGen C5555857, MONDO:0021060.

Allele frequency attached by ClinVar (database versions not stated): gnomAD exomes below 0.00001 and 0.00002; ExAC 0.00002; gnomAD 0.00005 and 0.00006; TOPMed 0.00008; ESP Exome Variant Server 0.00015; 1000 Genomes Project 30x 0.00016; 1000 Genomes Project 0.00020.

Submissions (2):

Labcorp Genetics (formerly Invitae), Labcorp
Classification: Likely benign for RASopathy. Last evaluated: 2025-11-21. Review status: criteria provided, single submitter. Criteria: Invitae Variant Classification Sherloc (09022015). Collection method: clinical testing. Allele origin: germline.

GeneDx
Classification: Likely benign. Last evaluated: 2017-09-25. Review status: criteria provided, single submitter. Criteria: GeneDx Variant Classification (06012015). Collection method: clinical testing. Allele origin: germline. Affected: yes.
Comment: This variant is considered likely benign or benign based on one or more of the following criteria: it is a conservative change, it occurs at a poorly conserved position in the protein, it is predicted to be benign by multiple in silico algorithms, and/or has population frequency not consistent with disease.

NM_030662.4(MAP2K2):c.450+20G>A

Gene: MAP2K2 (mitogen-activated protein kinase kinase 2; minus strand). Cytogenetic location: 19p13.3.
Variant type: single nucleotide variant.
Coding change: c.450+20G>A on transcript NM_030662.4 (MANE Select); 20 bases into the intron after coding-DNA position 450, G replaced by A.
Molecular consequence: intron variant.
Genome position (GRCh38, 1-based): chr19:4,110,489, C>T on the plus strand (G>A on the coding strand, the complement: MAP2K2 is on the minus strand). VCF-style: chr19-4110489-C-T. GRCh37 (hg19) VCF-style: chr19-4110487-C-T.
Identifiers: ClinVar variation 506349 (VCV000506349.10), dbSNP rs374143146, ClinGen allele CA9090992.